The following is an entry in ClinVar:

ClinVar aggregate classification (germline): Uncertain significance. Review status: criteria provided, multiple submitters, no conflicts (2 of 4 stars). 2 submissions from 2 submitters: Uncertain significance (2). Last evaluated 2024-08-04.

Allele frequency attached by ClinVar (database versions not stated): gnomAD exomes below 0.00001.
gnomAD v4.1: 12 of 1,614,202 alleles (0.00074%); highest among the groups gnomAD compares: Non-Finnish European, 0.001%; no homozygotes.

Submissions (2):

Ambry Genetics
Classification: Uncertain significance. Last evaluated: 2024-08-04. Review status: criteria provided, single submitter. Criteria: Ambry Variant Classification Scheme 2023. Collection method: clinical testing. Allele origin: germline.

Labcorp Genetics (formerly Invitae), Labcorp
Classification: Uncertain significance. Last evaluated: 2024-03-14. Review status: criteria provided, single submitter. Criteria: Invitae Variant Classification Sherloc (09022015). Collection method: clinical testing. Allele origin: germline.
Comment: This sequence change replaces valine, which is neutral and non-polar, with isoleucine, which is neutral and non-polar, at codon 430 of the RNF31 protein (p.Val430Ile). This variant is present in population databases (no rsID available, gnomAD 0.0009%). This variant has not been reported in the literature in individuals affected with RNF31-related conditions. ClinVar contains an entry for this variant (Variation ID: 1467081). An algorithm developed to predict the effect of missense changes on protein structure and function (PolyPhen-2) suggests that this variant is likely to be tolerated. In summary, the available evidence is currently insufficient to determine the role of this variant in disease. Therefore, it has been classified as a Variant of Uncertain Significance.

NM_017999.5(RNF31):c.1288G>A (p.Val430Ile)

Gene: RNF31 (ring finger protein 31; plus strand). Cytogenetic location: 14q12.
Variant type: single nucleotide variant.
Coding change: c.1288G>A on transcript NM_017999.5 (MANE Select); coding-DNA position 1288, G replaced by A.
Protein change: p.Val430Ile; replaces valine 430 with isoleucine.
Molecular consequence: missense variant.
Genome position (GRCh38, 1-based): chr14:24,150,688, G>A. VCF-style: chr14-24150688-G-A. GRCh37 (hg19) VCF-style: chr14-24619897-G-A.
Other names: c.1288G>A (NM_017999.4); c.835G>A, p.Val279Ile (NM_001310332.2); short protein forms V279I, V430I.
Identifiers: ClinVar variation 1467081 (VCV001467081.7), dbSNP rs1255439925, ClinGen allele CA389294476.